The following is an entry in ClinVar:

ClinVar aggregate classification (germline): Conflicting classifications of pathogenicity. Review status: criteria provided, conflicting classifications (1 of 4 stars). 2 submissions from 2 submitters: Uncertain significance (1); Likely benign (1). Last evaluated 2023-03-23.

Conditions:
Hereditary cancer-predisposing syndrome. Also called: Neoplastic Syndromes, Hereditary; Tumor predisposition; Hereditary Cancer Syndrome; Hereditary neoplastic syndrome. Identifiers: Orphanet 140162, MedGen C0027672, MeSH D009386, MONDO:0015356.

Submissions (2):

University of Washington Department of Laboratory Medicine, University of Washington
Classification: Likely benign for Hereditary cancer-predisposing syndrome. Last evaluated: 2023-03-23. Review status: criteria provided, single submitter. Criteria: Dines et al. (Genet Med. 2020). Collection method: curation. Allele origin: germline.
Comment: Missense variant in a coldspot region where missense variants are very unlikely to be pathogenic (PMID:31911673).

BRCA2 exon 11 coldspot. Reclassification based on statistical prior probability.

Ambry Genetics
Classification: Uncertain significance for Hereditary cancer-predisposing syndrome. Last evaluated: 2014-11-19. Review status: criteria provided, single submitter. Criteria: Ambry Autosomal Dominant and X-Linked criteria (10/2015). Collection method: clinical testing. Allele origin: germline. Observed: 1 variant allele.
Comment: The p.I1516L variant (also known as c.4546A>C or 4774A>C), located in coding exon 10 of the BRCA2 gene, results from an A to C substitution at nucleotide position 4546. The isoleucine at codon 1516 is replaced by leucine, an amino acid with highly similar properties. This variant was not reported in population based cohorts in the following databases: Database of Single Nucleotide Polymorphisms (dbSNP), NHLBI Exome Sequencing Project (ESP), and 1000 Genomes Project. In the ESP, this variant was not observed in 6500 samples (13000 alleles) with coverage at this position. To date, this alteration has been detected with an allele frequency of approximately 0.002% (greater than 64,000 alleles tested) in our clinical cohort. This amino acid position is not well conserved in available vertebrate species. In addition, this alteration is predicted to be tolerated by in silico analysis. Since supporting evidence is limited at this time, the clinical significance of p.I1516L remains unclear.

NM_000059.4(BRCA2):c.4546A>C (p.Ile1516Leu)

Gene: BRCA2 (BRCA2 DNA repair associated; plus strand). Cytogenetic location: 13q13.1.
Variant type: single nucleotide variant.
Coding change: c.4546A>C on transcript NM_000059.4 (MANE Select); coding-DNA position 4546, A replaced by C.
Protein change: p.Ile1516Leu; replaces isoleucine 1516 with leucine.
Molecular consequence: missense variant.
Genome position (GRCh38, 1-based): chr13:32,338,901, A>C. VCF-style: chr13-32338901-A-C. GRCh37 (hg19) VCF-style: chr13-32913038-A-C.
Other names: short protein forms I1516L.
Identifiers: ClinVar variation 186478 (VCV000186478.5), dbSNP rs786202983, ClinGen allele CA020388.